The following is an entry in ClinVar:

NM_001006658.3(CR2):c.-71T>C

Genes: CR2 (complement C3d receptor 2; plus strand), LOC129932399 (ATAC-STARR-seq lymphoblastoid silent region 1771; plus strand). Cytogenetic location: 1q32.2.
Variant type: single nucleotide variant.
Coding change: c.-71T>C on transcript NM_001006658.3 (MANE Select); 71 bases upstream of the start codon, T replaced by C.
Molecular consequence: 5 prime UTR variant.
Genome position (GRCh38, 1-based): chr1:207,454,348, T>C. VCF-style: chr1-207454348-T-C. GRCh37 (hg19) VCF-style: chr1-207627693-T-C.
Other names: c.-71T>C (NM_001877.5).
Identifiers: ClinVar variation 478828 (VCV000478828.12), dbSNP rs3813946, ClinGen allele CA10750099.

ClinVar aggregate classification (germline): Benign. Review status: criteria provided, multiple submitters, no conflicts (2 of 4 stars). 4 submissions from 4 submitters: Benign (4). Last evaluated 2026-01-26.

Conditions:
Immunodeficiency, common variable, 7. Identifiers: Orphanet 1572, Orphanet 696894, MedGen C3542922, MONDO:0013862, OMIM 614699.

Allele frequency attached by ClinVar (database versions not stated): 1000 Genomes Project 0.13079; 1000 Genomes Project 30x 0.13132; TOPMed 0.15440; gnomAD 0.15667; gnomAD exomes 0.19583.
gnomAD v4.1: 256,197 of 1,339,174 alleles (19%); highest among the groups gnomAD compares: Middle Eastern, 25%; 25,992 homozygotes.

Submissions (4):

Labcorp Genetics (formerly Invitae), Labcorp
Classification: Benign for Immunodeficiency, common variable, 7. Last evaluated: 2026-01-26. Review status: criteria provided, single submitter. Criteria: Invitae Variant Classification Sherloc (09022015). Collection method: clinical testing. Allele origin: germline.

Genome-Nilou Lab
Classification: Benign for Immunodeficiency, common variable, 7. Last evaluated: 2023-04-11. Review status: criteria provided, single submitter. Criteria: ACMG Guidelines, 2015. Collection method: clinical testing. Allele origin: germline. Affected: no.

GeneDx
Classification: Benign. Last evaluated: 2018-11-10. Review status: criteria provided, single submitter. Criteria: GeneDx Variant Classification Process June 2021. Collection method: clinical testing. Allele origin: germline. Affected: yes.
Comment: This variant is associated with the following publications: (PMID: 22673213, 23612877, 17360460)

Breakthrough Genomics
Classification: Benign. Review status: criteria provided, single submitter. Criteria: ACMG Guidelines, 2015. Collection method: not provided. Allele origin: germline. Inheritance: Autosomal recessive inheritance. Affected: yes.